The following is an entry in ClinVar:

NM_015346.4(ZFYVE26):c.3723del (p.Gln1242fs)

Gene: ZFYVE26 (zinc finger FYVE-type containing 26; minus strand). Cytogenetic location: 14q24.1.
Variant type: Deletion.
Coding change: c.3723del on transcript NM_015346.4 (MANE Select); coding-DNA position 3723, one base deleted (G; older notation c.3723delG).
Protein change: p.Gln1242fs; shifts the reading frame from glutamine 1242.
Molecular consequence: frameshift variant.
Genome position (GRCh38, 1-based): chr14:67,783,429, C deleted on the plus strand (G on the coding strand, the reverse complement: ZFYVE26 is on the minus strand); the first of 2 consecutive C bases (chr14:67,783,429-67,783,430); deleting either gives the same sequence. VCF-style (leftmost placement, unchanged base first): chr14-67783428-GC-G. GRCh37 (hg19) VCF-style: chr14-68250145-GC-G.
Other names: short protein forms Q1242fs.
Identifiers: ClinVar variation 5013634 (VCV005013634.1).

ClinVar aggregate classification (germline): Pathogenic (1 of 4 stars; one submission).

Conditions:
Hereditary spastic paraplegia 15 (SPG15). Also called: SPASTIC PARAPLEGIA 15, AUTOSOMAL RECESSIVE; KJELLIN SYNDROME; SPASTIC PARAPLEGIA AND RETINAL DEGENERATION. Identifiers: Orphanet 100996, MedGen C1849128, MONDO:0010044, OMIM 270700.

Submission:

Myriad Genetics, Inc.
Classification: Pathogenic for Hereditary spastic paraplegia 15. Last evaluated: 2024-10-11. Review status: criteria provided, single submitter. Criteria: Myriad Autosomal Dominant, Autosomal Recessive and X-Linked Classification Criteria (2023). Collection method: clinical testing. Allele origin: unknown.
Comment: NM_015346.3(ZFYVE26):c.3723delG(Q1242Kfs*9) is expected to be pathogenic in the context of spastic paraplegia type 15. This variant is predicted to lead to an abnormal or absent protein product due to the creation of a premature termination codon in ZFYVE26, a gene where loss-of-function variants are known to be pathogenic. Please note: this variant was assessed in the context of healthy population screening.